The following is an entry in ClinVar:

NM_212482.4(FN1):c.5810T>C (p.Val1937Ala)

Gene: FN1 (fibronectin 1; minus strand). Cytogenetic location: 2q35.
Variant type: single nucleotide variant.
Coding change: c.5810T>C on transcript NM_212482.4 (MANE Select); coding-DNA position 5810, T replaced by C.
Protein change: p.Val1937Ala; replaces valine 1937 with alanine.
Molecular consequence: missense variant.
Genome position (GRCh38, 1-based): chr2:215,376,575, A>G on the plus strand (T>C on the coding strand, the complement: FN1 is on the minus strand). VCF-style: chr2-215376575-A-G. GRCh37 (hg19) VCF-style: chr2-216241298-A-G.
Other names: c.5810T>C, p.Val1937Ala (NM_001306129.2); c.5540T>C, p.Val1847Ala (NM_001306130.2, NM_001365517.2, NM_001365519.2 and 2 more transcripts); c.5267T>C, p.Val1756Ala (NM_001306131.2, NM_001306132.2, NM_001365523.2 and 2 more transcripts); c.5537T>C, p.Val1846Ala (NM_001365518.2, NM_001365520.2, NM_001365524.2 and 2 more transcripts); short protein forms V1756A, V1846A, V1847A, V1937A.
Identifiers: ClinVar variation 2431837 (VCV002431837.4), dbSNP rs1281779326, ClinGen allele CA350471411.

ClinVar aggregate classification (germline): Uncertain significance. Review status: criteria provided, multiple submitters, no conflicts (2 of 4 stars). 2 submissions from 2 submitters: Uncertain significance (2). Last evaluated 2023-02-11.

Conditions:
Glomerulopathy with fibronectin deposits 2 (GFND2). Identifiers: Orphanet 84090, MedGen C1866075, MONDO:0011165, OMIM 601894.

gnomAD v4.1: 6 of 1,613,976 alleles (0.00037%); highest among the groups gnomAD compares: South Asian, 0.0044%; no homozygotes.

Submissions (2):

Labcorp Genetics (formerly Invitae), Labcorp
Classification: Uncertain significance. Last evaluated: 2023-02-11. Review status: criteria provided, single submitter. Criteria: Invitae Variant Classification Sherloc (09022015). Collection method: clinical testing. Allele origin: germline.
Comment: In summary, the available evidence is currently insufficient to determine the role of this variant in disease. Therefore, it has been classified as a Variant of Uncertain Significance. An algorithm developed to predict the effect of missense changes on protein structure and function (PolyPhen-2) suggests that this variant is likely to be disruptive. This variant has not been reported in the literature in individuals affected with FN1-related conditions. This variant is present in population databases (no rsID available, gnomAD 0.003%). This sequence change replaces valine, which is neutral and non-polar, with alanine, which is neutral and non-polar, at codon 1937 of the FN1 protein (p.Val1937Ala).

Laboratorio de Genetica e Diagnostico Molecular, Hospital Israelita Albert Einstein
Classification: Uncertain significance for Glomerulopathy with fibronectin deposits 2. Last evaluated: 2023-02-10. Review status: criteria provided, single submitter. Criteria: ACMG Guidelines, 2015. Collection method: clinical testing. Allele origin: germline. Affected: yes. Observed: 1 variant allele.
Comment: ACMG classification criteria: PM2 moderated